The following is an entry in ClinVar:

ClinVar aggregate classification (germline): Uncertain significance (1 of 4 stars; one submission).

Submission:

Labcorp Genetics (formerly Invitae), Labcorp
Classification: Uncertain significance. Last evaluated: 2023-07-13. Review status: criteria provided, single submitter. Criteria: Invitae Variant Classification Sherloc (09022015). Collection method: clinical testing. Allele origin: germline.
Comment: An algorithm developed to predict the effect of missense changes on protein structure and function (PolyPhen-2) suggests that this variant is likely to be tolerated. This variant has not been reported in the literature in individuals affected with SLC1A2-related conditions. This variant is not present in population databases (gnomAD no frequency). This sequence change replaces serine, which is neutral and polar, with proline, which is neutral and non-polar, at codon 534 of the SLC1A2 protein (p.Ser534Pro). In summary, the available evidence is currently insufficient to determine the role of this variant in disease. Therefore, it has been classified as a Variant of Uncertain Significance.

NM_004171.4(SLC1A2):c.1600T>C (p.Ser534Pro)

Gene: SLC1A2 (solute carrier family 1 member 2; minus strand). Cytogenetic location: 11p13.
Variant type: single nucleotide variant.
Coding change: c.1600T>C on transcript NM_004171.4 (MANE Select); coding-DNA position 1600, T replaced by C.
Protein change: p.Ser534Pro; replaces serine 534 with proline.
Molecular consequence: missense variant.
Genome position (GRCh38, 1-based): chr11:35,265,580, A>G on the plus strand (T>C on the coding strand, the complement: SLC1A2 is on the minus strand). VCF-style: chr11-35265580-A-G. GRCh37 (hg19) VCF-style: chr11-35287127-A-G.
Other names: c.1573T>C, p.Ser525Pro (NM_001195728.3, NM_001252652.2); short protein forms S534P, S525P.
Identifiers: ClinVar variation 2742873 (VCV002742873.3), dbSNP rs2497617788, ClinGen allele CA380118544.